The following is an entry in ClinVar:

NM_014762.4(DHCR24):c.*221C>T

Gene: DHCR24 (24-dehydrocholesterol reductase; minus strand). Cytogenetic location: 1p32.3.
Variant type: single nucleotide variant.
Coding change: c.*221C>T on transcript NM_014762.4 (MANE Select); 221 bases downstream of the stop codon, C replaced by T.
Molecular consequence: 3 prime UTR variant.
Genome position (GRCh38, 1-based): chr1:54,852,012, G>A on the plus strand (C>T on the coding strand, the complement: DHCR24 is on the minus strand). VCF-style: chr1-54852012-G-A. GRCh37 (hg19) VCF-style: chr1-55317685-G-A.
Identifiers: ClinVar variation 297648 (VCV000297648.8), dbSNP rs1138030, ClinGen allele CA10610461.

ClinVar aggregate classification (germline): Benign. Review status: criteria provided, multiple submitters, no conflicts (2 of 4 stars). 3 submissions from 3 submitters: Benign (3). Last evaluated 2018-11-10.

Conditions:
Desmosterolosis. Identifiers: Orphanet 35107, MedGen C1865596, MONDO:0011217, OMIM 602398.

Allele frequency attached by ClinVar (database versions not stated): gnomAD exomes 0.21088; gnomAD 0.19892 and 0.20004; 1000 Genomes Project 30x 0.22470; 1000 Genomes Project 0.22604; TOPMed 0.21099.
gnomAD v4.1: 124,033 of 594,090 alleles (21%); highest among the groups gnomAD compares: East Asian, 44%; 14,398 homozygotes.

Submissions (3):

GeneDx
Classification: Benign. Last evaluated: 2018-11-10. Review status: criteria provided, single submitter. Criteria: GeneDx Variant Classification Process June 2021. Collection method: clinical testing. Allele origin: germline. Affected: yes.

Illumina Laboratory Services, Illumina
Classification: Benign for Desmosterolosis. Last evaluated: 2018-01-13. Review status: criteria provided, single submitter. Criteria: ICSL Variant Classification Criteria 13 December 2019. Collection method: clinical testing. Allele origin: germline.
Comment: This variant was observed in the ICSL laboratory as part of a predisposition screen in an ostensibly healthy population. It had not been previously curated by ICSL or reported in the Human Gene Mutation Database (HGMD: prior to June 1st, 2018), and was therefore a candidate for classification through an automated scoring system. Utilizing variant allele frequency, disease prevalence and penetrance estimates, and inheritance mode, an automated score was calculated to assess if this variant is too frequent to cause the disease. Based on the score and internal cut-off values, a variant classified as benign is not then subjected to further curation. The score for this variant resulted in a classification of benign for this disease.

Breakthrough Genomics
Classification: Benign. Review status: criteria provided, single submitter. Criteria: ACMG Guidelines, 2015. Collection method: not provided. Allele origin: germline. Inheritance: Autosomal recessive inheritance. Affected: yes.